The following is an entry in ClinVar:

NM_003334.4(UBA1):c.2004-39C>G

Gene: UBA1 (ubiquitin like modifier activating enzyme 1; plus strand). Cytogenetic location: Xp11.3.
Variant type: single nucleotide variant.
Coding change: c.2004-39C>G on transcript NM_003334.4 (MANE Select); 39 bases into the intron before coding-DNA position 2004, C replaced by G.
Molecular consequence: intron variant.
Genome position (GRCh38, 1-based): chrX:47,209,889, C>G. VCF-style: chrX-47209889-C-G. GRCh37 (hg19) VCF-style: chrX-47069288-C-G.
Other names: c.2004-39C>G (NM_153280.3).
Identifiers: ClinVar variation 674456 (VCV000674456.2), dbSNP rs17144858, ClinGen allele CA10396064.

ClinVar aggregate classification (germline): Benign. Review status: criteria provided, multiple submitters, no conflicts (2 of 4 stars). 2 submissions from 2 submitters: Benign (2). Last evaluated 2018-06-18.

Allele frequency attached by ClinVar (database versions not stated): gnomAD exomes 0.00823 and 0.02297; ExAC 0.02941; gnomAD 0.08229 and 0.08742; TOPMed 0.08980; 1000 Genomes Project 0.09669; 1000 Genomes Project 30x 0.09865; ESP Exome Variant Server 0.10169.
gnomAD v4.1: 18,678 of 1,195,092 alleles (1.6%); highest among the groups gnomAD compares: African/African-American, 28%; 1,778 homozygotes.

Submissions (2):

GeneDx
Classification: Benign. Last evaluated: 2018-06-18. Review status: criteria provided, single submitter. Criteria: GeneDx Variant Classification (06012015). Collection method: clinical testing. Allele origin: germline. Affected: yes.
Comment: This variant is considered likely benign or benign based on one or more of the following criteria: it is a conservative change, it occurs at a poorly conserved position in the protein, it is predicted to be benign by multiple in silico algorithms, and/or has population frequency not consistent with disease.

Breakthrough Genomics
Classification: Benign. Review status: criteria provided, single submitter. Criteria: ACMG Guidelines, 2015. Collection method: not provided. Allele origin: germline. Inheritance: Other. Affected: yes.